The following is an entry in ClinVar:

ClinVar aggregate classification (germline): Likely benign. Review status: criteria provided, multiple submitters, no conflicts (2 of 4 stars). 2 submissions from 2 submitters: Likely benign (2). Last evaluated 2026-09-21.

Conditions:
TSPEAR-related disorder. Also called: TSPEAR-related condition.

Allele frequency attached by ClinVar (database versions not stated): gnomAD exomes 0.00004; ExAC 0.00007; gnomAD 0.00003; TOPMed 0.00003.
gnomAD v4.1: 58 of 1,613,970 alleles (0.0036%); highest among the groups gnomAD compares: South Asian, 0.045%; 1 homozygote.

Submissions (2):

PreventionGenetics, part of Exact Sciences
Classification: Likely benign for TSPEAR-related condition. Last evaluated: 2026-09-21. Review status: criteria provided, single submitter. Criteria: ACMG Guidelines, 2015. Collection method: clinical testing. Allele origin: germline.
Comment: This variant is classified as likely benign based on ACMG/AMP sequence variant interpretation guidelines (Richards et al. 2015 PMID: 25741868, with internal and published modifications).

Labcorp Genetics (formerly Invitae), Labcorp
Classification: Likely benign. Last evaluated: 2023-01-27. Review status: criteria provided, single submitter. Criteria: Invitae Variant Classification Sherloc (09022015). Collection method: clinical testing. Allele origin: germline.

NM_144991.3(TSPEAR):c.1674C>T (p.Ser558=)

Genes: TSPEAR (thrombospondin type laminin G domain and EAR repeats; minus strand), TSPEAR-AS1 (TSPEAR antisense RNA 1; plus strand), LOC126653398 (CDK7 strongly-dependent group 2 enhancer GRCh37_chr21:45928270-45929469; plus strand). Cytogenetic location: 21q22.3.
Variant type: single nucleotide variant.
Coding change: c.1674C>T on transcript NM_144991.3 (MANE Select); coding-DNA position 1674, C replaced by T.
Protein change: p.Ser558=; no amino-acid change (serine 558 retained).
Molecular consequence: synonymous variant. On other transcripts: non-coding transcript variant (1).
Genome position (GRCh38, 1-based): chr21:44,509,279, G>A on the plus strand (C>T on the coding strand, the complement: TSPEAR is on the minus strand). VCF-style: chr21-44509279-G-A. GRCh37 (hg19) VCF-style: chr21-45929162-G-A.
Other names: c.1470C>T, p.Ser490= (NM_001272037.2); c.1674C>T (NM_144991.2).
Identifiers: ClinVar variation 2193172 (VCV002193172.5), dbSNP rs782486383, ClinGen allele CA10056426.
Genomic context (GRCh38, chr21:44,509,279, plus strand): 5'-GAACTTGACAAAGGCCTGCGCGGTCACGTTCAGCTCGTAGATGACGGAGTTGATGACATA[G>A]GAATCATTCTGGACTTGCATCTCCACATCGTAGCTGTGACTGTTTGCCACAGCGAGGAAG-3'
Protein context (NP_659428.2, residues 548-568): YDVEMQVQND[Ser558=]YVINSVIYEL